The following is an entry in ClinVar:

NM_007294.4(BRCA1):c.1865C>T (p.Ala622Val)

Gene: BRCA1 (BRCA1 DNA repair associated; minus strand). Cytogenetic location: 17q21.31.
Variant type: single nucleotide variant.
Coding change: c.1865C>T on transcript NM_007294.4 (MANE Select); coding-DNA position 1865, C replaced by T.
Protein change: p.Ala622Val; replaces alanine 622 with valine.
Molecular consequence: missense variant. On other transcripts: intron variant (137).
Genome position (GRCh38, 1-based): chr17:43,093,666, G>A on the plus strand (C>T on the coding strand, the complement: BRCA1 is on the minus strand). VCF-style: chr17-43093666-G-A. GRCh37 (hg19) VCF-style: chr17-41245683-G-A.
Other names: p.A622V:GCG>GTG; 1984C>T; c.1652C>T, p.Ala551Val (NM_001407571.1, NM_001407853.1, NM_001407894.1 and 9 more transcripts); c.1865C>T, p.Ala622Val (NM_001407581.1, NM_001407582.1, NM_001407583.1 and 30 more transcripts); c.1862C>T, p.Ala621Val (NM_001407587.1, NM_001407590.1, NM_001407591.1 and 22 more transcripts); c.1856C>T, p.Ala619Val (NM_001407646.1, NM_001407647.1); c.1742C>T, p.Ala581Val (NM_001407648.1, NM_001407664.1, NM_001407665.1 and 19 more transcripts); c.1784C>T, p.Ala595Val (NM_001407661.1, NM_001407662.1, NM_001407659.1 and 1 more transcripts); and 42 more; short protein forms A622V, A575V, A326V, A454V, A495V, A555V, A580V, A581V.
Identifiers: ClinVar variation 54371 (VCV000054371.69), dbSNP rs56039126, ClinGen allele CA001210.

ClinVar aggregate classification (germline): Benign. Review status: reviewed by expert panel (3 of 4 stars). 25 submissions from 25 submitters: Benign (1). 24 of the submissions do not count toward it. Last evaluated 2015-08-10.

Conditions:
BRCA1-related disorder. Also called: BRCA1-related condition.
Breast and/or ovarian cancer. Identifiers: MedGen CN221562.
Hereditary cancer-predisposing syndrome. Also called: Hereditary Cancer Syndrome; Tumor predisposition; Neoplastic Syndromes, Hereditary; Hereditary neoplastic syndrome. Identifiers: Orphanet 140162, MedGen C0027672, MeSH D009386, MONDO:0015356.
Breast neoplasm. Also called: Breast Neoplasms; Neoplasm of the breast; Neoplasm of breast; Breast tumor. Identifiers: MedGen C1458155, MeSH D001943, MONDO:0021100, HP:0100013. Disease mechanism: gain of function.
Hereditary breast ovarian cancer syndrome. Also called: Breast and ovarian cancer; BRCA1- and BRCA2-Associated Hereditary Breast and Ovarian Cancer; Hereditary breast and ovarian cancer; Hereditary breast and ovarian cancer syndrome (HBOC); Hereditary breast and ovarian cancer syndrome; Hereditary breast and/or ovarian cancer syndrome. Identifiers: Orphanet 145, MedGen C0677776, MeSH D061325, MONDO:0003582. Disease mechanism: loss of function.
Breast-ovarian cancer, familial, susceptibility to, 1 (BROVCA1). Also called: BRCA1 Hereditary Breast and Ovarian Cancer; OVARIAN CANCER, SUSCEPTIBILITY TO. Identifiers: Orphanet 145, MedGen C2676676, MONDO:0011450, OMIM 604370. Disease mechanism: loss of function.

Allele frequency attached by ClinVar (database versions not stated): ExAC 0.00005; gnomAD exomes 0.00006; TOPMed 0.00006; gnomAD 0.00007; ESP Exome Variant Server 0.00008.
gnomAD v4.1: 132 of 1,613,884 alleles (0.0082%); highest among the groups gnomAD compares: Middle Eastern, 0.016%; no homozygotes.

Submissions 1 to 15 of 25:

Evidence-based Network for the Interpretation of Germline Mutant Alleles (ENIGMA)
Classification: Benign for Breast-ovarian cancer, familial 1. Last evaluated: 2015-08-10. Review status: reviewed by expert panel. Criteria: ENIGMA BRCA1/2 Classification Criteria (2015). Collection method: curation. Allele origin: germline.
Comment: IARC class based on posterior probability from multifactorial likelihood analysis, thresholds for class as per Plon et al. 2008 (PMID: 18951446). Class 1 based on posterior probability = 0.0000212

Labcorp Genetics (formerly Invitae), Labcorp
Classification: Benign for Hereditary breast ovarian cancer syndrome. Last evaluated: 2026-01-28. Review status: criteria provided, single submitter. Criteria: Invitae Variant Classification Sherloc (09022015). Collection method: clinical testing. Allele origin: germline. Not counted in ClinVar's aggregate classification.

Dasa
Classification: Benign for Breast-ovarian cancer, familial, susceptibility to, 1. Last evaluated: 2025-12-17. Review status: criteria provided, single submitter. Criteria: DASA Assertion Criteria. Collection method: clinical testing. Allele origin: germline. Not counted in ClinVar's aggregate classification.
Comment: NM_007294.4(BRCA1):c.1865C>T (p.Ala622Val) is a missense variant that results in the substitution of alanine with valine. Based on the available data, this variant is classified as benign.

CeGaT Center for Human Genetics Tuebingen
Classification: Likely benign. Last evaluated: 2025-10-01. Review status: criteria provided, single submitter. Criteria: CeGaT Center For Human Genetics Tuebingen Variant Classification Criteria Version 2. Collection method: clinical testing. Allele origin: germline. Affected: yes. Observed: 2 variant alleles. Not counted in ClinVar's aggregate classification.
Comment: BRCA1: BP1

GeneKor MSA
Classification: Benign for Hereditary breast ovarian cancer syndrome. Last evaluated: 2025-07-10. Review status: criteria provided, single submitter. Criteria: ACMG Guidelines, 2015. Collection method: clinical testing. Allele origin: germline. Not counted in ClinVar's aggregate classification.

Center for Genomic Medicine, Rigshospitalet, Copenhagen University Hospital
Classification: Benign. Last evaluated: 2025-03-04. Review status: criteria provided, single submitter. Criteria: ACMG Guidelines, 2015. Collection method: clinical testing. Allele origin: germline. Not counted in ClinVar's aggregate classification.

Institute for Biomarker Research, Medical Diagnostic Laboratories, L.L.C.
Classification: Likely benign for Hereditary breast ovarian cancer syndrome. Last evaluated: 2025-02-06. Review status: criteria provided, single submitter. Criteria: ACMG Guidelines, 2015. Collection method: clinical testing. Allele origin: germline. Not counted in ClinVar's aggregate classification.
Comment: The missense variant NM_007294.4(BRCA1):c.1865C>T (p.Ala622Val) has been reported to ClinVar as Benign with a status of (3 stars) reviewed by expert panel (Variation ID 54371 as of 2025-01-02). There is a small physicochemical difference between alanine and valine, which is not likely to impact secondary protein structure as these residues share similar properties.The p.Ala622Val variant is not predicted to introduce a novel splice site by any splice site algorithm. The nucleotide c.1865 in BRCA1 is not conserved according to a GERP++ and PhyloP analysis of 100 vertebrates. For these reasons, this variant has been classified as Likely Benign.

Blueprint Genetics
Classification: Likely benign. Last evaluated: 2024-10-14. Review status: criteria provided, single submitter. Criteria: ACMG Guidelines, 2015. Collection method: clinical testing. Allele origin: germline. Not counted in ClinVar's aggregate classification.

All of Us Research Program, National Institutes of Health
Classification: Likely benign for Breast-ovarian cancer, familial, susceptibility to, 1. Last evaluated: 2024-02-05. Review status: criteria provided, single submitter. Criteria: ACMG Guidelines, 2015. Collection method: clinical testing. Allele origin: germline. Inheritance: Autosomal dominant inheritance. Observed: 26 variant alleles, 26 heterozygotes. Not counted in ClinVar's aggregate classification.
Comment: This study involves interpretation of variants in research participants for the purpose of population health screening. Participant phenotype was not available at the time of variant classification. Additional details can be found in publication PMID: 35346344, PMCID: PMC8962531

Sema4
Classification: Likely benign for Hereditary cancer-predisposing syndrome. Last evaluated: 2021-01-23. Review status: criteria provided, single submitter. Criteria: Sema4 Curation Guidelines. Collection method: curation. Allele origin: germline. Not counted in ClinVar's aggregate classification.

GeneDx
Classification: Likely benign. Last evaluated: 2020-09-28. Review status: criteria provided, single submitter. Criteria: GeneDx Variant Classification Process June 2021. Collection method: clinical testing. Allele origin: germline. Affected: yes. Not counted in ClinVar's aggregate classification.
Comment: This variant is associated with the following publications: (PMID: 25637381, 18703817, 18284688, 21520273, 17990525, 23231788, 18273839, 23893897, 26898890, 9663595, 21990134, 17924331, 25682074, 20104584, 16267036, 15385441, 19370767, 33087888)

Color Diagnostics, LLC DBA Color Health
Classification: Likely benign for Hereditary cancer-predisposing syndrome. Last evaluated: 2020-04-17. Review status: criteria provided, single submitter. Criteria: ACMG Guidelines, 2015. Collection method: clinical testing. Allele origin: germline. Not counted in ClinVar's aggregate classification.

Mendelics
Classification: Benign for Breast-ovarian cancer, familial, susceptibility to, 1. Last evaluated: 2019-05-28. Review status: criteria provided, single submitter. Criteria: Mendelics Assertion Criteria 2017. Collection method: clinical testing. Allele origin: unknown. Not counted in ClinVar's aggregate classification.

Women's Health and Genetics/Laboratory Corporation of America, LabCorp
Classification: Benign. Last evaluated: 2019-03-13. Review status: criteria provided, single submitter. Criteria: LabCorp Variant Classification Summary - May 2015. Collection method: clinical testing. Allele origin: germline. Not counted in ClinVar's aggregate classification.
Comment: Variant summary: BRCA1 c.1865C>T (p.Ala622Val) results in a non-conservative amino acid change in the encoded protein sequence. Three of five in-silico tools predict a benign effect of the variant on protein function. The variant allele was found at a frequency of 6.5e-05 in 276900 control chromosomes, predominantly at a frequency of 0.00013 within the Non-Finnish European subpopulation in the gnomAD database. This frequency is not significantly higher than expected for a pathogenic variant in BRCA1 causing Hereditary Breast and Ovarian Cancer (6.5e-05 vs 0.001), allowing no conclusion about variant significance. c.1865C>T has been reported in the literature in multiple individuals affected with Hereditary Breast and Ovarian Cancer, however, with limited information (ie, lack of co-occurrence and/or cosegregation data)(Tikhomirova_2007, Wagner_1998, Moghadasi_2013, Anczukow_2008, Borg_2010, Judkins_2005, Lee_2008, Palma_2008, Wong-Brown_2015). These report(s) do not provide unequivocal conclusions about association of the variant with Hereditary Breast and Ovarian Cancer. Co-occurrences with other likely pathogenic/pathogenic variants have been reported (BRCA2 c.5722_5723delCT, p.Leu1908Argfs; BRCA2 c.658_659delGT, p.Val220Ilefs; BRCA2 c.6275_6276delTT, p.Leu2092Profs; BRIP1 c.440dupA, p.Tyr147X), providing supporting evidence for a benign role. Variant was functionally assessed to have no impact on splicing (Anczukow_2008). Seven ClinVar submissions from clinical diagnostic laboratories (evaluation after 2014) cites the variant four times as likely benign/benign and three times as uncertain significance. Based on the evidence outlined above, the variant was classified as benign.

Illumina Laboratory Services, Illumina
Classification: Uncertain significance for Breast-ovarian cancer, familial, susceptibility to, 1. Last evaluated: 2017-04-27. Review status: criteria provided, single submitter. Criteria: ICSL Variant Classification Criteria 13 December 2019. Collection method: clinical testing. Allele origin: germline. Not counted in ClinVar's aggregate classification.